The following is an entry in ClinVar:

NM_006035.4(CDC42BPB):c.2538C>T (p.Leu846=)

Gene: CDC42BPB (CDC42 binding protein kinase beta; minus strand). Cytogenetic location: 14q32.32.
Variant type: single nucleotide variant.
Coding change: c.2538C>T on transcript NM_006035.4 (MANE Select); coding-DNA position 2538, C replaced by T.
Protein change: p.Leu846=; no amino-acid change (leucine 846 retained).
Molecular consequence: synonymous variant.
Genome position (GRCh38, 1-based): chr14:102,966,321, G>A on the plus strand (C>T on the coding strand, the complement: CDC42BPB is on the minus strand). VCF-style: chr14-102966321-G-A. GRCh37 (hg19) VCF-style: chr14-103432658-G-A.
Other names: c.2538C>T, p.Leu846= (NM_001411054.1).
Identifiers: ClinVar variation 3042102 (VCV003042102.2), dbSNP rs759161809, ClinGen allele CA7361027.
Genomic context (GRCh38, chr14:102,966,321, plus strand): 5'-CAGGCATTACACAAAACCTACCAGTGTTCTTGACCCCAGACTAGAACTCCTCAAAGCCTC[G>A]AGCTCTTCGGTCATCTTGGAAGCAAGAGCTTGAAGGTAACCCCGGGCATCTTTCTCGTCA-3'
Protein context (NP_006026.3, residues 836-856): QALASKMTEE[Leu846=]EALRSSSLGS

ClinVar aggregate classification (germline): Likely benign (0 of 4 stars; one submission).

Conditions:
CDC42BPB-related disorder.

Allele frequency attached by ClinVar (database versions not stated): TOPMed below 0.00001; ExAC 0.00001; gnomAD 0.00001.
gnomAD v4.1: 20 of 1,613,842 alleles (0.0012%); highest among the groups gnomAD compares: Admixed American, 0.0017%; no homozygotes.

Submission:

PreventionGenetics, part of Exact Sciences
Classification: Likely benign for CDC42BPB-related condition. Last evaluated: 2019-06-13. Review status: no assertion criteria provided. Collection method: clinical testing. Allele origin: germline.
Comment: This variant is classified as likely benign based on ACMG/AMP sequence variant interpretation guidelines (Richards et al. 2015 PMID: 25741868, with internal and published modifications).